The following is an entry in ClinVar:

ClinVar aggregate classification (germline): Uncertain significance (1 of 4 stars; one submission).

gnomAD v4.1: 6 of 1,614,186 alleles (0.00037%); highest among the groups gnomAD compares: East Asian, 0.013%; no homozygotes.

Submission:

Labcorp Genetics (formerly Invitae), Labcorp
Classification: Uncertain significance. Last evaluated: 2024-03-10. Review status: criteria provided, single submitter. Criteria: Invitae Variant Classification Sherloc (09022015). Collection method: clinical testing. Allele origin: germline.
Comment: This sequence change replaces serine, which is neutral and polar, with cysteine, which is neutral and slightly polar, at codon 421 of the ZIC1 protein (p.Ser421Cys). This variant is present in population databases (rs777419584, gnomAD 0.006%). This variant has not been reported in the literature in individuals affected with ZIC1-related conditions. Advanced modeling of protein sequence and biophysical properties (such as structural, functional, and spatial information, amino acid conservation, physicochemical variation, residue mobility, and thermodynamic stability) performed at Invitae indicates that this missense variant is not expected to disrupt ZIC1 protein function with a negative predictive value of 80%. In summary, the available evidence is currently insufficient to determine the role of this variant in disease. Therefore, it has been classified as a Variant of Uncertain Significance.

NM_003412.4(ZIC1):c.1262C>G (p.Ser421Cys)

Gene: ZIC1 (Zic family zinc finger 1; plus strand). Cytogenetic location: 3q24.
Variant type: single nucleotide variant.
Coding change: c.1262C>G on transcript NM_003412.4 (MANE Select); coding-DNA position 1262, C replaced by G.
Protein change: p.Ser421Cys; replaces serine 421 with cysteine.
Molecular consequence: missense variant.
Genome position (GRCh38, 1-based): chr3:147,413,469, C>G. VCF-style: chr3-147413469-C-G. GRCh37 (hg19) VCF-style: chr3-147131256-C-G.
Other names: short protein forms S421C.
Identifiers: ClinVar variation 3622423 (VCV003622423.2).